The following is an entry in ClinVar:

ClinVar aggregate classification (germline): Uncertain significance. Review status: criteria provided, multiple submitters, no conflicts (2 of 4 stars). 5 submissions from 5 submitters: Uncertain significance (5). Last evaluated 2026-01-13.

Conditions:
Retinal dystrophy. Also called: Inherited retinal dystrophy. Identifiers: Orphanet 71862, MedGen C0854723, MeSH D058499, MONDO:0019118, HP:0000556.
Retinitis pigmentosa 80 (RP80). Identifiers: MedGen C4540439, MONDO:0054708, OMIM 617781.
Saldino-Mainzer syndrome (SRTD9). Also called: Renal dysplasia, retinal pigmentary dystrophy, cerebellar ataxia and skeletal dysplasia; SHORT-RIB THORACIC DYSPLASIA 9 WITHOUT POLYDACTYLY; CONORENAL SYNDROME; short-rib thoracic dysplasia 9 with or without polydactyly. Identifiers: Orphanet 140969, MedGen C1849437, MONDO:0009964, OMIM 266920.

Submissions (5):

3billion
Classification: Uncertain significance for Retinitis pigmentosa 80. Last evaluated: 2026-01-13. Review status: criteria provided, single submitter. Criteria: ACMG Guidelines, 2015. Collection method: clinical testing. Allele origin: germline. Affected: yes.
Comment: The variant is observed at an extremely low frequency in the gnomAD v4.1.0 dataset (total allele frequency: <0.001%). Predicted Consequence/Location: Inframe deletion located in a nonrepeat region: predicted to change the length of the protein and disrupt normal protein function. The variant has been reported as of uncertain significance (ClinVar ID: VCV000961213). Therefore, this variant is classified as VUS according to the recommendation of ACMG/AMP guideline.

Dept Of Ophthalmology, Nagoya University
Classification: Uncertain significance for Retinal dystrophy. Last evaluated: 2023-10-01. Review status: criteria provided, single submitter. Criteria: Submitter's publication. Collection method: research. Allele origin: germline. Affected: yes.

Labcorp Genetics (formerly Invitae), Labcorp
Classification: Uncertain significance for Saldino-Mainzer syndrome. Last evaluated: 2022-08-23. Review status: criteria provided, single submitter. Criteria: Invitae Variant Classification Sherloc (09022015). Collection method: clinical testing. Allele origin: germline.
Comment: This variant, c.800_802del, results in the deletion of 1 amino acid(s) of the IFT140 protein (p.Glu267del), but otherwise preserves the integrity of the reading frame. This variant is not present in population databases (gnomAD no frequency). This variant has not been reported in the literature in individuals affected with IFT140-related conditions. ClinVar contains an entry for this variant (Variation ID: 961213). Experimental studies and prediction algorithms are not available or were not evaluated, and the functional significance of this variant is currently unknown. In summary, the available evidence is currently insufficient to determine the role of this variant in disease. Therefore, it has been classified as a Variant of Uncertain Significance.

DBGen Ocular Genomics
Classification: Uncertain significance for Retinitis pigmentosa 80. Last evaluated: 2021-06-16. Review status: criteria provided, single submitter. Criteria: ACMG Guidelines, 2015. Collection method: clinical testing. Allele origin: germline. Affected: yes. Observed: 1 variant allele.

Blueprint Genetics
Classification: Uncertain significance. Last evaluated: 2019-08-26. Review status: criteria provided, single submitter. Criteria: ACMG Guidelines, 2015. Collection method: clinical testing. Allele origin: germline.

NM_014714.4(IFT140):c.797AAG[1] (p.Glu267del)

Genes: IFT140 (intraflagellar transport 140; minus strand), LOC105371046 (uncharacterized LOC105371046; plus strand). Cytogenetic location: 16p13.3.
Variant type: Microsatellite.
Coding change: c.797AAG[1] on transcript NM_014714.4 (MANE Select); one copy of the 3-base unit AAG starting at c.797; the reference has two copies in a row; one copy, 3 bases deleted; also written c.800_802del.
Protein change: p.Glu267del; deletes glutamic acid 267.
Molecular consequence: inframe deletion.
Genome position (GRCh38, 1-based): chr16:1,589,613-1,589,615, CTT deleted on the plus strand (AAG on the coding strand, the reverse complement: IFT140 is on the minus strand); deleting any 3 consecutive bases within chr16:1,589,613-1,589,620 gives the same sequence; the position shown is the placement nearest the transcript's 3' end. VCF-style (leftmost placement, unchanged base first): chr16-1589612-ACTT-A. GRCh37 (hg19) VCF-style: chr16-1639613-ACTT-A.
Other names: c.800_802del (NM_014714.4); c.800_802delAAG (NM_014714.4); short protein forms E267del.
Identifiers: ClinVar variation 961213 (VCV000961213.12), dbSNP rs2035068981, ClinGen allele CA2201743520.
Genomic context (GRCh38, chr16:1,589,612, plus strand): 5'-GAGAACCTGGCCCAAGATCCCCAGCGTGAGCCCCCAAGCCCACTCCCACTCACCTTCATC[ACTT>A]CTTCTGCTTTGCCCTCAGGAGGCACCGTGTACAGGGACAGCCGGAGGTTCTCTGTGACCA-3'